The following is an entry in ClinVar:

ClinVar aggregate classification (germline): Uncertain significance (1 of 4 stars; one submission).

Conditions:
Usher syndrome type 3B. Also called: USHER SYNDROME, TYPE IIIB. Identifiers: MedGen C3281066, MONDO:0013788, OMIM 614504.

Submission:

Labcorp Genetics (formerly Invitae), Labcorp
Classification: Uncertain significance for Usher syndrome type 3B. Last evaluated: 2021-08-29. Review status: criteria provided, single submitter. Criteria: Invitae Variant Classification Sherloc (09022015). Collection method: clinical testing. Allele origin: germline.
Comment: In summary, the available evidence is currently insufficient to determine the role of this variant in disease. Therefore, it has been classified as a Variant of Uncertain Significance. Algorithms developed to predict the effect of missense changes on protein structure and function are either unavailable or do not agree on the potential impact of this missense change (SIFT: "Deleterious"; PolyPhen-2: "Probably Damaging"; Align-GVGD: "Class C0"). This variant has not been reported in the literature in individuals affected with HARS-related conditions. This variant is not present in population databases (ExAC no frequency). This sequence change replaces phenylalanine with serine at codon 221 of the HARS protein (p.Phe221Ser). The phenylalanine residue is highly conserved and there is a large physicochemical difference between phenylalanine and serine.

NM_002109.6(HARS1):c.662T>C (p.Phe221Ser)

Gene: HARS1 (histidyl-tRNA synthetase 1; minus strand). Cytogenetic location: 5q31.3.
Variant type: single nucleotide variant.
Coding change: c.662T>C on transcript NM_002109.6 (MANE Select); coding-DNA position 662, T replaced by C.
Protein change: p.Phe221Ser; replaces phenylalanine 221 with serine.
Molecular consequence: missense variant.
Genome position (GRCh38, 1-based): chr5:140,677,722, A>G on the plus strand (T>C on the coding strand, the complement: HARS1 is on the minus strand). VCF-style: chr5-140677722-A-G. GRCh37 (hg19) VCF-style: chr5-140057307-A-G.
Other names: c.542T>C, p.Phe181Ser (NM_001258040.3); c.602T>C, p.Phe201Ser (NM_001258041.3); c.482T>C, p.Phe161Ser (NM_001258042.3); c.440T>C, p.Phe147Ser (NM_001289092.2); c.320T>C, p.Phe107Ser (NM_001289093.2); c.575T>C, p.Phe192Ser (NM_001289094.2); short protein forms F107S, F147S, F161S, F181S, F192S, F201S, F221S.
Identifiers: ClinVar variation 1680329 (VCV001680329.6), dbSNP rs2149824713, ClinGen allele CA361255039.